The following is an entry in ClinVar:

NM_001242896.3(DEPDC5):c.3256C>T (p.Pro1086Ser)

Gene: DEPDC5 (DEP domain containing 5, GATOR1 subcomplex subunit; plus strand). Cytogenetic location: 22q12.3.
Variant type: single nucleotide variant.
Coding change: c.3256C>T on transcript NM_001242896.3 (MANE Select); coding-DNA position 3256, C replaced by T.
Protein change: p.Pro1086Ser; replaces proline 1086 with serine.
Molecular consequence: missense variant. On other transcripts: non-coding transcript variant (5).
Genome position (GRCh38, 1-based): chr22:31,857,545, C>T. VCF-style: chr22-31857545-C-T. GRCh37 (hg19) VCF-style: chr22-32253531-C-T.
Other names: c.3229C>T, p.Pro1077Ser (NM_001136029.4, NM_001369903.1, NM_014662.6); c.3022C>T, p.Pro1008Ser (NM_001242897.2, NM_001363854.2, NM_001364319.2); c.3256C>T, p.Pro1086Ser (NM_001363852.2, NM_001364318.2, NM_001364320.2); c.3172C>T, p.Pro1058Ser (NM_001369901.1, NM_001369902.1); short protein forms P1086S, P1008S, P1077S, P1058S.
Identifiers: ClinVar variation 661076 (VCV000661076.10), dbSNP rs914056153, ClinGen allele CA323353708.
Genomic context (GRCh38, chr22:31,857,545, plus strand): 5'-AGCTCCGCCCAGTCAGCCGAGAGCAGCAGCGTTGCCATGACTCCCACCTACATGGACAGC[C>T]CACGAAAGGTAAAGGAAGCCGCGGTAGCAGGGAGCTGTTCTGTGCTCTCAGAGACTCAGT-3'
Protein context (NP_001229825.1, residues 1076-1096): VAMTPTYMDS[Pro1086Ser]RKDGAFFMEF

ClinVar aggregate classification (germline): Uncertain significance (1 of 4 stars; one submission).

Conditions:
Familial focal epilepsy with variable foci (FPEVF). Identifiers: Orphanet 98820, MedGen C1858477, MONDO:0020310.

Allele frequency attached by ClinVar (database versions not stated): gnomAD exomes below 0.00001; TOPMed below 0.00001; gnomAD 0.00001.
gnomAD v4.1: 3 of 1,610,344 alleles (0.00019%); highest among the groups gnomAD compares: Non-Finnish European, 0.00025%; no homozygotes.

Submission:

Labcorp Genetics (formerly Invitae), Labcorp
Classification: Uncertain significance for Familial focal epilepsy with variable foci. Last evaluated: 2025-08-25. Review status: criteria provided, single submitter. Criteria: Invitae Variant Classification Sherloc (09022015). Collection method: clinical testing. Allele origin: germline.
Comment: This sequence change replaces proline, which is neutral and non-polar, with serine, which is neutral and polar, at codon 1086 of the DEPDC5 protein (p.Pro1086Ser). This variant is not present in population databases (gnomAD no frequency). This variant has not been reported in the literature in individuals affected with DEPDC5-related conditions. ClinVar contains an entry for this variant (Variation ID: 661076). Experimental studies and prediction algorithms are not available or were not evaluated, and the functional significance of this variant is currently unknown. In summary, the available evidence is currently insufficient to determine the role of this variant in disease. Therefore, it has been classified as a Variant of Uncertain Significance.